The following is an entry in ClinVar:

ClinVar aggregate classification (germline): Uncertain significance (1 of 4 stars; one submission).

Conditions:
Hereditary sensory and autonomic neuropathy type 6. Also called: HSAN VI; Neuropathy, hereditary sensory and autonomic, type VI. Identifiers: Orphanet 314381, MedGen C3539003, MONDO:0013839, OMIM 614653.
Epidermolysis bullosa simplex 3, localized or generalized intermediate, with BP230 deficiency (EBS3). Also called: Epidermolysis bullosa simplex due to BP230 deficiency; Epidermolysis bullosa simplex, autosomal recessive 2. Identifiers: Orphanet 412181, MedGen C3809470, MONDO:0014180, OMIM 615425.

Submission:

Labcorp Genetics (formerly Invitae), Labcorp
Classification: Uncertain significance for Epidermolysis bullosa simplex 3, localized or generalized intermediate, with BP230 deficiency; Hereditary sensory and autonomic neuropathy type 6. Last evaluated: 2019-03-17. Review status: criteria provided, single submitter. Criteria: Invitae Variant Classification Sherloc (09022015). Collection method: clinical testing. Allele origin: germline.
Comment: In summary, the available evidence is currently insufficient to determine the role of this variant in disease. Therefore, it has been classified as a Variant of Uncertain Significance. Algorithms developed to predict the effect of missense changes on protein structure and function are either unavailable or do not agree on the potential impact of this missense change (SIFT: "Tolerated"; PolyPhen-2: "Probably Damaging"; Align-GVGD: "Class C0"). This variant has not been reported in the literature in individuals with DST-related conditions. This variant is not present in population databases (ExAC no frequency). This sequence change replaces serine with alanine at codon 1506 of the DST protein (p.Ser1506Ala). The serine residue is weakly conserved and there is a moderate physicochemical difference between serine and alanine.

NM_001723.7(DST):c.4516T>G (p.Ser1506Ala)

Gene: DST (dystonin; minus strand). Cytogenetic location: 6p12.1.
Variant type: single nucleotide variant.
Coding change: c.4516T>G on transcript NM_001723.7 (MANE Plus Clinical); coding-DNA position 4516, T replaced by G.
Protein change: p.Ser1506Ala; replaces serine 1506 with alanine.
Molecular consequence: missense variant. On other transcripts: intron variant (10).
Genome position (GRCh38, 1-based): chr6:56,619,518, A>C on the plus strand (T>G on the coding strand, the complement: DST is on the minus strand). VCF-style: chr6-56619518-A-C. GRCh37 (hg19) VCF-style: chr6-56484316-A-C.
Other names: c.4830+5012T>G (NM_001144769.5); c.4929+5012T>G (NM_001374722.1, NM_001374736.1); c.4956+5012T>G (NM_001374734.1); c.4416+5012T>G (NM_001144770.2); c.4296+5012T>G (NM_001374730.1, NM_001386100.1, NM_183380.4 and 1 more transcripts); c.3318+5012T>G (NM_015548.5); short protein forms S1506A.
Identifiers: ClinVar variation 854063 (VCV000854063.8), dbSNP rs2098665938, ClinGen allele CA364569502.